The following is an entry in ClinVar:

NM_002354.3(EPCAM):c.28G>A (p.Gly10Arg)

Gene: EPCAM (epithelial cell adhesion molecule; plus strand). Cytogenetic location: 2p21.
Variant type: single nucleotide variant.
Coding change: c.28G>A on transcript NM_002354.3 (MANE Select); coding-DNA position 28, G replaced by A.
Protein change: p.Gly10Arg; replaces glycine 10 with arginine.
Molecular consequence: missense variant.
Genome position (GRCh38, 1-based): chr2:47,369,533, G>A. VCF-style: chr2-47369533-G-A. GRCh37 (hg19) VCF-style: chr2-47596672-G-A.
Other names: short protein forms G10R.
Identifiers: ClinVar variation 216553 (VCV000216553.7), dbSNP rs863224709, ClinGen allele CA337386.

ClinVar aggregate classification (germline): Uncertain significance (1 of 4 stars; one submission).

Allele frequency attached by ClinVar (database versions not stated): TOPMed 0.00001.

Submission:

Labcorp Genetics (formerly Invitae), Labcorp
Classification: Uncertain significance. Last evaluated: 2015-06-14. Review status: criteria provided, single submitter. Criteria: Invitae Variant Classification Sherloc (09022015). Collection method: clinical testing. Allele origin: germline.
Comment: This sequence change replaces glycine with arginine at codon 10 of the EPCAM protein (p.Gly10Arg). The glycine residue is moderately conserved and there is a moderate physicochemical difference between glycine and arginine. Algorithms developed to predict the effect of missense changes on protein structure and function do not agree on the potential impact of this missense change (SIFT: "Tolerated"; PolyPhen-2: "Probably Damaging"; Align-GVGD: "Class C0"). This variant has not been published in the literature and is not present in population databases. In summary, this is a novel missense change with uncertain impact on protein function. It has been classified as a Variant of Uncertain Significance.